The following is an entry in ClinVar:

NM_007327.4(GRIN1):c.2563G>A (p.Val855Ile)

Gene: GRIN1 (glutamate ionotropic receptor NMDA type subunit 1; plus strand). Cytogenetic location: 9q34.3.
Variant type: single nucleotide variant.
Coding change: c.2563G>A on transcript NM_007327.4 (MANE Select); coding-DNA position 2563, G replaced by A.
Protein change: p.Val855Ile; replaces valine 855 with isoleucine.
Molecular consequence: missense variant.
Genome position (GRCh38, 1-based): chr9:137,163,878, G>A. VCF-style: chr9-137163878-G-A. GRCh37 (hg19) VCF-style: chr9-140058330-G-A.
Other names: c.2563G>A, p.Val855Ile (NM_000832.7, NM_021569.4); c.2626G>A, p.Val876Ile (NM_001185090.2, NM_001185091.2); short protein forms V855I, V876I.
Identifiers: ClinVar variation 98406 (VCV000098406.2), dbSNP rs367543118, ClinGen allele CA225681.

ClinVar aggregate classification (germline): Uncertain significance. Review status: criteria provided, single submitter (1 of 4 stars). 2 submissions from 2 submitters: Uncertain significance (1). 1 of the submissions does not count toward it. Last evaluated 2025-10-20.

Conditions:
Neurodevelopmental disorder with or without hyperkinetic movements and seizures, autosomal dominant. Also called: Intellectual disability, autosomal dominant 8. Identifiers: MedGen C3280282, MONDO:0013655, OMIM 614254.

Allele frequency attached by ClinVar (database versions not stated): gnomAD exomes below 0.00001.
gnomAD v4.1: 2 of 1,612,940 alleles (0.00012%); highest among the groups gnomAD compares: Non-Finnish European, 0.00017%; no homozygotes.

Submissions (2):

Labcorp Genetics (formerly Invitae), Labcorp
Classification: Uncertain significance for Neurodevelopmental disorder with or without hyperkinetic movements and seizures, autosomal dominant. Last evaluated: 2025-10-20. Review status: criteria provided, single submitter. Criteria: Invitae Variant Classification Sherloc (09022015). Collection method: clinical testing. Allele origin: germline.
Comment: This sequence change replaces valine, which is neutral and non-polar, with isoleucine, which is neutral and non-polar, at codon 855 of the GRIN1 protein (p.Val855Ile). This variant is not present in population databases (gnomAD no frequency). This variant has not been reported in the literature in individuals affected with GRIN1-related conditions. ClinVar contains an entry for this variant (Variation ID: 98406). Invitae Evidence Modeling of protein sequence and biophysical properties (such as structural, functional, and spatial information, amino acid conservation, physicochemical variation, residue mobility, and thermodynamic stability) indicates that this missense variant is expected to disrupt GRIN1 protein function with a positive predictive value of 95%. In summary, the available evidence is currently insufficient to determine the role of this variant in disease. Therefore, it has been classified as a Variant of Uncertain Significance.

Psychiatry Genetics Yale University
No classification provided. Review status: no classification provided. Collection method: not provided. Allele origin: not provided. Not counted in ClinVar's aggregate classification.